The following is an entry in ClinVar:

ClinVar aggregate classification (germline): Uncertain significance (1 of 4 stars; one submission).

Conditions:
Dyskeratosis congenita, autosomal dominant 2. Identifiers: MedGen C3151443, MONDO:0013521, OMIM 613989.
Idiopathic Pulmonary Fibrosis. Also called: Idiopathic fibrosing alveolitis, chronic form; idiopathic fibrosing alveolitis. Identifiers: Orphanet 2032, MedGen C1800706, MeSH D054990, MONDO:0800504.

Allele frequency attached by ClinVar (database versions not stated): gnomAD exomes below 0.00001.
gnomAD v4.1: 1 of 1,338,470 alleles (0.000075%); highest among the groups gnomAD compares: Non-Finnish European, 0.000095%; no homozygotes.

Submission:

Labcorp Genetics (formerly Invitae), Labcorp
Classification: Uncertain significance for Dyskeratosis congenita, autosomal dominant 2; Idiopathic Pulmonary Fibrosis. Last evaluated: 2018-11-30. Review status: criteria provided, single submitter. Criteria: Invitae Variant Classification Sherloc (09022015). Collection method: clinical testing. Allele origin: germline.
Comment: This sequence change replaces arginine with glycine at codon 8 of the TERT protein (p.Arg8Gly). The arginine residue is weakly conserved and there is a moderate physicochemical difference between arginine and glycine. Algorithms developed to predict the effect of missense changes on protein structure and function are either unavailable or do not agree on the potential impact of this missense change (SIFT: "Tolerated"; PolyPhen-2: "Possibly Damaging"; Align-GVGD: "Class C0"). This variant has not been reported in the literature in individuals with TERT-related conditions. The frequency data for this variant in the population databases is considered unreliable, as metrics indicate insufficient coverage at this position in the ExAC database. In summary, the available evidence is currently insufficient to determine the role of this variant in disease. Therefore, it has been classified as a Variant of Uncertain Significance.

NM_198253.3(TERT):c.22C>G (p.Arg8Gly)

Genes: TERT (telomerase reverse transcriptase; minus strand), LOC110806263 (TERT 5' regulatory region; plus strand). Cytogenetic location: 5p15.33.
Variant type: single nucleotide variant.
Coding change: c.22C>G on transcript NM_198253.3 (MANE Select); coding-DNA position 22, C replaced by G.
Protein change: p.Arg8Gly; replaces arginine 8 with glycine.
Molecular consequence: missense variant. On other transcripts: non-coding transcript variant (2).
Genome position (GRCh38, 1-based): chr5:1,294,968, G>C on the plus strand (C>G on the coding strand, the complement: TERT is on the minus strand). VCF-style: chr5-1294968-G-C. GRCh37 (hg19) VCF-style: chr5-1295083-G-C.
Other names: c.22C>G, p.Arg8Gly (NM_001193376.3); short protein forms R8G.
Identifiers: ClinVar variation 639701 (VCV000639701.9), dbSNP rs1579599353, ClinGen allele CA359059950.
Genomic context (GRCh38, chr5:1,294,968, plus strand): 5'-CGAACGTGGCCAGCGGCAGCACCTCGCGGTAGTGGCTGCGCAGCAGGGAGCGCACGGCTC[G>C]GCAGCGGGGAGCGCGCGGCATCGCGGGGGTGGCCGGGGCCAGGGCTTCCCACGTGCGCAG-3'
Protein context (NP_937983.2, residues 1-18): MPRAPRC[Arg8Gly]AVRSLLRSHY